The following is an entry in ClinVar:

ClinVar aggregate classification (germline): Likely pathogenic (1 of 4 stars; one submission).

Conditions:
Branchiootorenal syndrome 1. Also called: Branchio-Oto-Renal Syndrome 1. Identifiers: Orphanet 107, MedGen C4551702, MONDO:0007236, OMIM 113650.

Submission:

Institute of Rare Diseases, West China Hospital, Sichuan University
Classification: Likely pathogenic for Branchiootorenal syndrome 1. Last evaluated: 2025-01-09. Review status: criteria provided, single submitter. Criteria: ClinGen HL ACMG Specifications v1. Collection method: research. Allele origin: germline. Affected: yes.
Comment: PVS1;PM2_Supporting

NM_000503.6(EYA1):c.1050+2del

Gene: EYA1 (EYA transcriptional coactivator and phosphatase 1; minus strand). Cytogenetic location: 8q13.3.
Variant type: Deletion.
Coding change: c.1050+2del on transcript NM_000503.6 (MANE Select); the canonical splice donor site of the intron after coding-DNA position 1050, one base deleted (T; older notation c.1050+2delT).
Molecular consequence: splice donor variant.
Genome position (GRCh38, 1-based): chr8:71,269,738, A deleted on the plus strand (T on the coding strand, the reverse complement: EYA1 is on the minus strand). VCF-style (leftmost placement, unchanged base first): chr8-71269737-CA-C. GRCh37 (hg19) VCF-style: chr8-72181972-CA-C.
Other names: c.1119+2del (NM_001370336.1); c.1137+2del (NM_001370333.1); c.1050+2del (NM_001370335.1, NM_001370334.1, NM_172058.4); c.1122+2del (NM_172059.5); c.951+2del (NM_001411797.1, NM_172060.4); c.684+2del (NM_001288575.2); c.1032+2del (NM_001288574.2).
Identifiers: ClinVar variation 3601088 (VCV003601088.1).